The following is an entry in ClinVar:

ClinVar aggregate classification (germline): Likely pathogenic (1 of 4 stars; one submission).

Conditions:
ASCC1-related disorder. Also called: ASCC1-related condition; ASCC1-Related Disorders.

gnomAD v4.1: 45 of 1,612,224 alleles (0.0028%); highest among the groups gnomAD compares: Non-Finnish European, 0.0036%; no homozygotes.

Submission:

PreventionGenetics, part of Exact Sciences
Classification: Likely pathogenic for ASCC1-related condition. Last evaluated: 2026-04-09. Review status: criteria provided, single submitter. Criteria: ACMG Guidelines, 2015. Collection method: clinical testing. Allele origin: germline.
Comment: The ASCC1 c.489+1G>T variant is predicted to disrupt the GT donor site and interfere with normal splicing. To our knowledge, this variant has not been reported in the literature. This variant is reported in 0.00089% of alleles in individuals of European (Non-Finnish) descent in gnomAD. Variants that disrupt the consensus splice donor site in ASCC1 are expected to be pathogenic. This variant is interpreted as likely pathogenic.

NM_001198800.3(ASCC1):c.489+1G>T

Gene: ASCC1 (activating signal cointegrator 1 complex subunit 1; minus strand). Cytogenetic location: 10q22.1.
Variant type: single nucleotide variant.
Coding change: c.489+1G>T on transcript NM_001198800.3 (MANE Select); the canonical splice donor site of the intron after coding-DNA position 489, G replaced by T.
Molecular consequence: splice donor variant.
Genome position (GRCh38, 1-based): chr10:72,196,810, C>A on the plus strand (G>T on the coding strand, the complement: ASCC1 is on the minus strand). VCF-style: chr10-72196810-C-A. GRCh37 (hg19) VCF-style: chr10-73956568-C-A.
Other names: c.555+1G>T (NM_001369099.1, NM_001369086.1, NM_001369085.1); c.489+1G>T (NM_001369112.1, NM_001369108.1, NM_001369103.1 and 18 more transcripts); c.573+1G>T (NM_001198799.3); c.372+1G>T (NM_001369105.1, NM_001369102.1, NM_001369106.1 and 2 more transcripts).
Identifiers: ClinVar variation 4982355 (VCV004982355.1).